The following is an entry in ClinVar:

ClinVar aggregate classification (germline): Uncertain significance. Review status: criteria provided, multiple submitters, no conflicts (2 of 4 stars). 3 submissions from 3 submitters: Uncertain significance (3). Last evaluated 2026-01-28.

Conditions:
PEX19-related disorder. Also called: PEX19-related condition.
Peroxisome biogenesis disorder 12A (Zellweger). Also called: Peroxisome biogenesis disorder 12A. Identifiers: Orphanet 912, MedGen C3554002, MONDO:0013951, OMIM 614886.

Allele frequency attached by ClinVar (database versions not stated): gnomAD exomes 0.00002 and 0.00010; gnomAD 0.00003; TOPMed 0.00007; ExAC 0.00008; ESP Exome Variant Server 0.00008.
gnomAD v4.1: 39 of 1,613,532 alleles (0.0024%); highest among the groups gnomAD compares: Admixed American, 0.05%; no homozygotes.

Submissions (3):

PreventionGenetics, part of Exact Sciences
Classification: Uncertain significance for PEX19-related condition. Last evaluated: 2026-01-28. Review status: criteria provided, single submitter. Criteria: ACMG Guidelines, 2015. Collection method: clinical testing. Allele origin: germline.
Comment: The PEX19 c.670G>A variant is predicted to result in the amino acid substitution p.Val224Ile. To our knowledge, this variant has not been reported in the literature. This variant is reported in 0.068% of alleles in individuals of Latino descent in gnomAD. Although we suspect that this variant may be benign, at this time, the clinical significance of this variant is uncertain due to the absence of conclusive functional and genetic evidence.

Labcorp Genetics (formerly Invitae), Labcorp
Classification: Uncertain significance for Peroxisome biogenesis disorder 12A (Zellweger). Last evaluated: 2022-09-23. Review status: criteria provided, single submitter. Criteria: Invitae Variant Classification Sherloc (09022015). Collection method: clinical testing. Allele origin: germline.
Comment: This sequence change replaces valine, which is neutral and non-polar, with isoleucine, which is neutral and non-polar, at codon 224 of the PEX19 protein (p.Val224Ile). This variant is present in population databases (rs372197333, gnomAD 0.07%). This variant has not been reported in the literature in individuals affected with PEX19-related conditions. ClinVar contains an entry for this variant (Variation ID: 501619). Advanced modeling of protein sequence and biophysical properties (such as structural, functional, and spatial information, amino acid conservation, physicochemical variation, residue mobility, and thermodynamic stability) performed at Invitae indicates that this missense variant is not expected to disrupt PEX19 protein function. In summary, the available evidence is currently insufficient to determine the role of this variant in disease. Therefore, it has been classified as a Variant of Uncertain Significance.

Eurofins Ntd Llc (ga)
Classification: Uncertain significance. Last evaluated: 2018-06-26. Review status: criteria provided, single submitter. Criteria: EGL ClinVar v180209 classification definitions. Collection method: clinical testing. Allele origin: germline. Observed: 3 variant alleles, 3 heterozygotes.

NM_002857.4(PEX19):c.670G>A (p.Val224Ile)

Gene: PEX19 (peroxisomal biogenesis factor 19; minus strand). Cytogenetic location: 1q23.2.
Variant type: single nucleotide variant.
Coding change: c.670G>A on transcript NM_002857.4 (MANE Select); coding-DNA position 670, G replaced by A.
Protein change: p.Val224Ile; replaces valine 224 with isoleucine.
Molecular consequence: missense variant. On other transcripts: non-coding transcript variant (2).
Genome position (GRCh38, 1-based): chr1:160,280,171, C>T on the plus strand (G>A on the coding strand, the complement: PEX19 is on the minus strand). VCF-style: chr1-160280171-C-T. GRCh37 (hg19) VCF-style: chr1-160249961-C-T.
Other names: c.670G>A (NM_002857.3); c.670G>A, p.Val224Ile (NM_001193644.1); short protein forms V224I.
Identifiers: ClinVar variation 501619 (VCV000501619.9), dbSNP rs372197333, ClinGen allele CA1197280.